The following is an entry in ClinVar:

NM_152564.5(VPS13B):c.11614G>A (p.Val3872Met)

Gene: VPS13B (vacuolar protein sorting 13 homolog B; plus strand). Cytogenetic location: 8q22.2.
Variant type: single nucleotide variant.
Coding change: c.11614G>A on transcript NM_152564.5 (MANE Select); coding-DNA position 11614, G replaced by A.
Protein change: p.Val3872Met; replaces valine 3872 with methionine.
Molecular consequence: missense variant.
Genome position (GRCh38, 1-based): chr8:99,871,566, G>A. VCF-style: chr8-99871566-G-A. GRCh37 (hg19) VCF-style: chr8-100883794-G-A.
Other names: c.11614G>A (NM_152564.4); c.11689G>A, p.Val3897Met (NM_017890.5); short protein forms V3897M, V3872M.
Identifiers: ClinVar variation 848392 (VCV000848392.20), dbSNP rs574447837, ClinGen allele CA4825284.

ClinVar aggregate classification (germline): Uncertain significance. Review status: criteria provided, multiple submitters, no conflicts (2 of 4 stars). 7 submissions from 7 submitters: Uncertain significance (5). 2 of the submissions do not count toward it. Last evaluated 2025-11-16.

Conditions:
VPS13B-related disorder. Also called: VPS13B-related condition.
Cohen syndrome (COH1). Also called: PEPPER SYNDROME; Cutis verticis gyrata, retinitis pigmentosa, and sensorineural deafness. Identifiers: Orphanet 193, MedGen C0265223, MONDO:0008999, OMIM 216550.
Inborn genetic diseases. Identifiers: MedGen C0950123, MeSH D030342.

Allele frequency attached by ClinVar (database versions not stated): TOPMed 0.00002; 1000 Genomes Project 30x 0.00016; 1000 Genomes Project 0.00020.
gnomAD v4.1: 33 of 1,614,212 alleles (0.002%); highest among the groups gnomAD compares: Non-Finnish European, 0.0023%; no homozygotes.

Submissions (7):

Labcorp Genetics (formerly Invitae), Labcorp
Classification: Uncertain significance for Cohen syndrome. Last evaluated: 2025-11-16. Review status: criteria provided, single submitter. Criteria: Invitae Variant Classification Sherloc (09022015). Collection method: clinical testing. Allele origin: germline.
Comment: This sequence change replaces valine, which is neutral and non-polar, with methionine, which is neutral and non-polar, at codon 3897 of the VPS13B protein (p.Val3897Met). This variant is present in population databases (rs574447837, gnomAD 0.005%). This variant has not been reported in the literature in individuals affected with VPS13B-related conditions. ClinVar contains an entry for this variant (Variation ID: 848392). Invitae Evidence Modeling of protein sequence and biophysical properties (such as structural, functional, and spatial information, amino acid conservation, physicochemical variation, residue mobility, and thermodynamic stability) indicates that this missense variant is expected to disrupt VPS13B protein function with a positive predictive value of 80%. In summary, the available evidence is currently insufficient to determine the role of this variant in disease. Therefore, it has been classified as a Variant of Uncertain Significance.

Ambry Genetics
Classification: Uncertain significance for Inborn genetic diseases. Last evaluated: 2019-09-30. Review status: criteria provided, single submitter. Criteria: Ambry Variant Classification Scheme 2023. Collection method: clinical testing. Allele origin: germline.
Comment: The p.V3897M variant (also known as c.11689G>A), located in coding exon 60 of the VPS13B gene, results from a G to A substitution at nucleotide position 11689. The valine at codon 3897 is replaced by methionine, an amino acid with highly similar properties. This amino acid position is highly conserved in available vertebrate species. In addition, the in silico prediction for this alteration is inconclusive. Since supporting evidence is limited at this time, the clinical significance of this alteration remains unclear.

GeneDx
Classification: Uncertain significance. Last evaluated: 2019-09-24. Review status: criteria provided, single submitter. Criteria: GeneDx Variant Classification Process June 2021. Collection method: clinical testing. Allele origin: germline. Affected: yes.
Comment: Not observed at a significant frequency in large population cohorts (Lek et al., 2016); In silico analysis, which includes protein predictors and evolutionary conservation, supports that this variant does not alter protein structure/function; Has not been previously published as pathogenic or benign to our knowledge

Genetic Services Laboratory, University of Chicago
Classification: Uncertain significance. Last evaluated: 2018-02-09. Review status: criteria provided, single submitter. Criteria: ACMG Guidelines, 2015. Collection method: clinical testing. Allele origin: germline. Affected: no.

Juno Genomics, Hangzhou Juno Genomics, Inc
Classification: Uncertain significance for Cohen syndrome. Review status: criteria provided, single submitter. Criteria: ACMG Guidelines, 2015. Collection method: clinical testing. Allele origin: germline.
Comment: Absent from controls (or at extremely low frequency if recessive) in Genome Aggregation Database.;Multiple lines of computational evidence support a deleterious effect on the gene or gene product.

PreventionGenetics, part of Exact Sciences
Classification: Uncertain significance for VPS13B-related condition. Last evaluated: 2024-02-23. Review status: no assertion criteria provided. Collection method: clinical testing. Allele origin: germline. Not counted in ClinVar's aggregate classification.
Comment: The VPS13B c.11614G>A variant is predicted to result in the amino acid substitution p.Val3872Met. To our knowledge, this variant has not been reported in the literature. This variant is reported in 0.0053% of alleles in individuals of European (Non-Finnish) descent in gnomAD. At this time, the clinical significance of this variant is uncertain due to the absence of conclusive functional and genetic evidence.

Natera, Inc.
Classification: Uncertain significance for Cohen syndrome. Last evaluated: 2020-07-31. Review status: no assertion criteria provided. Collection method: clinical testing. Allele origin: germline. Not counted in ClinVar's aggregate classification.